The following is an entry in ClinVar:

NM_033026.6(PCLO):c.865G>A (p.Val289Ile)

Gene: PCLO (piccolo presynaptic cytomatrix protein; minus strand). Cytogenetic location: 7q21.11.
Variant type: single nucleotide variant.
Coding change: c.865G>A on transcript NM_033026.6 (MANE Select); coding-DNA position 865, G replaced by A.
Protein change: p.Val289Ile; replaces valine 289 with isoleucine.
Molecular consequence: missense variant.
Genome position (GRCh38, 1-based): chr7:83,155,776, C>T on the plus strand (G>A on the coding strand, the complement: PCLO is on the minus strand). VCF-style: chr7-83155776-C-T. GRCh37 (hg19) VCF-style: chr7-82785092-C-T.
Other names: c.865G>A, p.Val289Ile (NM_014510.3); short protein forms V289I.
Identifiers: ClinVar variation 1379448 (VCV001379448.4), dbSNP rs1316534953, ClinGen allele CA367918945.

ClinVar aggregate classification (germline): Uncertain significance (1 of 4 stars; one submission).

Submission:

Labcorp Genetics (formerly Invitae), Labcorp
Classification: Uncertain significance. Last evaluated: 2021-09-03. Review status: criteria provided, single submitter. Criteria: Invitae Variant Classification Sherloc (09022015). Collection method: clinical testing. Allele origin: germline.
Comment: In summary, the available evidence is currently insufficient to determine the role of this variant in disease. Therefore, it has been classified as a Variant of Uncertain Significance. Algorithms developed to predict the effect of missense changes on protein structure and function are either unavailable or do not agree on the potential impact of this missense change (SIFT: "Tolerated"; PolyPhen-2: "Not Available"; Align-GVGD: "Class C0"). This variant has not been reported in the literature in individuals affected with PCLO-related conditions. This variant is not present in population databases (ExAC no frequency). This sequence change replaces valine with isoleucine at codon 289 of the PCLO protein (p.Val289Ile). The valine residue is weakly conserved and there is a small physicochemical difference between valine and isoleucine.